The following is an entry in ClinVar:

NM_001711.6(BGN):c.949G>A (p.Val317Ile)

Gene: BGN (biglycan; plus strand). Cytogenetic location: Xq28.
Variant type: single nucleotide variant.
Coding change: c.949G>A on transcript NM_001711.6 (MANE Select); coding-DNA position 949, G replaced by A.
Protein change: p.Val317Ile; replaces valine 317 with isoleucine.
Molecular consequence: missense variant.
Genome position (GRCh38, 1-based): chrX:153,508,287, G>A. VCF-style: chrX-153508287-G-A. GRCh37 (hg19) VCF-style: chrX-152773745-G-A.
Other names: short protein forms V317I.
Identifiers: ClinVar variation 3649309 (VCV003649309.2).

ClinVar aggregate classification (germline): Uncertain significance (1 of 4 stars; one submission).

Submission:

Labcorp Genetics (formerly Invitae), Labcorp
Classification: Uncertain significance. Last evaluated: 2024-04-09. Review status: criteria provided, single submitter. Criteria: Invitae Variant Classification Sherloc (09022015). Collection method: clinical testing. Allele origin: germline.
Comment: This sequence change replaces valine, which is neutral and non-polar, with isoleucine, which is neutral and non-polar, at codon 317 of the BGN protein (p.Val317Ile). This variant is not present in population databases (gnomAD no frequency). This variant has not been reported in the literature in individuals affected with BGN-related conditions. Advanced modeling of protein sequence and biophysical properties (such as structural, functional, and spatial information, amino acid conservation, physicochemical variation, residue mobility, and thermodynamic stability) performed at Invitae indicates that this missense variant is not expected to disrupt BGN protein function with a negative predictive value of 80%. In summary, the available evidence is currently insufficient to determine the role of this variant in disease. Therefore, it has been classified as a Variant of Uncertain Significance.